The following is an entry in ClinVar:

ClinVar aggregate classification (germline): Conflicting classifications of pathogenicity. Review status: criteria provided, conflicting classifications (1 of 4 stars). 4 submissions from 4 submitters: Uncertain significance (1); Likely benign (3). Last evaluated 2025-08-05.

Conditions:
Inborn genetic diseases. Identifiers: MedGen C0950123, MeSH D030342.

Allele frequency attached by ClinVar (database versions not stated): TOPMed 0.00003; ExAC 0.00008; gnomAD 0.00009.
gnomAD v4.1: 121 of 1,613,354 alleles (0.0075%); highest among the groups gnomAD compares: South Asian, 0.0055%; no homozygotes.

Submissions (4):

Ambry Genetics
Classification: Likely benign for Inborn genetic diseases. Last evaluated: 2025-08-05. Review status: criteria provided, single submitter. Criteria: Ambry Variant Classification Scheme 2023. Collection method: clinical testing. Allele origin: germline.

CeGaT Center for Human Genetics Tuebingen
Classification: Likely benign. Last evaluated: 2025-08-01. Review status: criteria provided, single submitter. Criteria: CeGaT Center For Human Genetics Tuebingen Variant Classification Criteria Version 2. Collection method: clinical testing. Allele origin: germline. Affected: yes. Observed: 1 variant allele.
Comment: AHDC1: BP1, BS2

Labcorp Genetics (formerly Invitae), Labcorp
Classification: Uncertain significance. Last evaluated: 2025-01-06. Review status: criteria provided, single submitter. Criteria: Invitae Variant Classification Sherloc (09022015). Collection method: clinical testing. Allele origin: germline.
Comment: This sequence change replaces arginine, which is basic and polar, with glutamine, which is neutral and polar, at codon 728 of the AHDC1 protein (p.Arg728Gln). This variant is present in population databases (rs746053039, gnomAD 0.07%), and has an allele count higher than expected for a pathogenic variant. This variant has not been reported in the literature in individuals affected with AHDC1-related conditions. ClinVar contains an entry for this variant (Variation ID: 2164832). An algorithm developed to predict the effect of missense changes on protein structure and function (PolyPhen-2) suggests that this variant is likely to be tolerated. In summary, the available evidence is currently insufficient to determine the role of this variant in disease. Therefore, it has been classified as a Variant of Uncertain Significance.

Blueprint Genetics
Classification: Likely benign. Last evaluated: 2023-11-01. Review status: criteria provided, single submitter. Criteria: ACMG Guidelines, 2015. Collection method: clinical testing. Allele origin: germline.

NM_001371928.1(AHDC1):c.2183G>A (p.Arg728Gln)

Gene: AHDC1 (AT-hook DNA binding motif containing 1; minus strand). Cytogenetic location: 1p36.11.
Variant type: single nucleotide variant.
Coding change: c.2183G>A on transcript NM_001371928.1 (MANE Select); coding-DNA position 2183, G replaced by A.
Protein change: p.Arg728Gln; replaces arginine 728 with glutamine.
Molecular consequence: missense variant.
Genome position (GRCh38, 1-based): chr1:27,549,933, C>T on the plus strand (G>A on the coding strand, the complement: AHDC1 is on the minus strand). VCF-style: chr1-27549933-C-T. GRCh37 (hg19) VCF-style: chr1-27876444-C-T.
Other names: c.2183G>A, p.Arg728Gln (NM_001029882.3); c.2183G>A (NM_001029882.2); short protein forms R728Q.
Identifiers: ClinVar variation 2164832 (VCV002164832.14), dbSNP rs746053039, ClinGen allele CA715815.